The following is an entry in ClinVar:

ClinVar aggregate classification (germline): Benign/Likely benign. Review status: criteria provided, multiple submitters, no conflicts (2 of 4 stars). 6 submissions from 6 submitters: Benign (1); Likely benign (3). 2 of the submissions do not count toward it. Last evaluated 2026-02-01.

Conditions:
VARS2-related disorder. Also called: VARS2-related disorders; VARS2-related condition.

Allele frequency attached by ClinVar (database versions not stated): gnomAD exomes 0.00223; ExAC 0.00247; ESP Exome Variant Server 0.00294; TOPMed 0.00312; gnomAD 0.00318 and 0.00332; 1000 Genomes Project 0.00379; 1000 Genomes Project 30x 0.00406.
gnomAD v4.1: 3,302 of 1,555,994 alleles (0.21%); highest among the groups gnomAD compares: African/African-American, 0.59%; 6 homozygotes.

Submissions (6):

CeGaT Center for Human Genetics Tuebingen
Classification: Likely benign. Last evaluated: 2026-02-01. Review status: criteria provided, single submitter. Criteria: CeGaT Center For Human Genetics Tuebingen Variant Classification Criteria Version 2. Collection method: clinical testing. Allele origin: germline. Affected: yes. Observed: 9 variant alleles.
Comment: VARS2: BP4, BP7

Labcorp Genetics (formerly Invitae), Labcorp
Classification: Benign. Last evaluated: 2025-11-21. Review status: criteria provided, single submitter. Criteria: Invitae Variant Classification Sherloc (09022015). Collection method: clinical testing. Allele origin: germline.

Blueprint Genetics
Classification: Likely benign. Last evaluated: 2024-11-25. Review status: criteria provided, single submitter. Criteria: ACMG Guidelines, 2015. Collection method: clinical testing. Allele origin: germline.

GeneDx
Classification: Likely benign. Last evaluated: 2018-02-20. Review status: criteria provided, single submitter. Criteria: GeneDx Variant Classification (06012015). Collection method: clinical testing. Allele origin: germline. Affected: yes.
Comment: This variant is considered likely benign or benign based on one or more of the following criteria: it is a conservative change, it occurs at a poorly conserved position in the protein, it is predicted to be benign by multiple in silico algorithms, and/or has population frequency not consistent with disease.

PreventionGenetics, part of Exact Sciences
Classification: Benign for VARS2-related condition. Last evaluated: 2024-08-08. Review status: no assertion criteria provided. Collection method: clinical testing. Allele origin: germline. Not counted in ClinVar's aggregate classification.
Comment: This variant is classified as benign based on ACMG/AMP sequence variant interpretation guidelines (Richards et al. 2015 PMID: 25741868, with internal and published modifications).

Mayo Clinic Laboratories, Mayo Clinic
Classification: Likely benign. Last evaluated: 2016-03-08. Review status: no assertion criteria provided. Collection method: clinical testing. Allele origin: unknown. Not counted in ClinVar's aggregate classification.

NM_020442.6(VARS2):c.876G>A (p.Val292=)

Gene: VARS2 (valyl-tRNA synthetase 2, mitochondrial; plus strand). Cytogenetic location: 6p21.33.
Variant type: single nucleotide variant.
Coding change: c.876G>A on transcript NM_020442.6 (MANE Select); coding-DNA position 876, G replaced by A.
Protein change: p.Val292=; no amino-acid change (valine 292 retained).
Molecular consequence: synonymous variant.
Genome position (GRCh38, 1-based): chr6:30,917,697, G>A. VCF-style: chr6-30917697-G-A. GRCh37 (hg19) VCF-style: chr6-30885474-G-A.
Other names: c.456G>A, p.Val152= (NM_001167733.3); c.966G>A, p.Val322= (NM_001167734.2).
Identifiers: ClinVar variation 381459 (VCV000381459.44), dbSNP rs147636694, ClinGen allele CA3705757.
Genomic context (GRCh38, chr6:30,917,697, plus strand): 5'-CTGGGCATGAGCCTTGCAGAAAGGCTGCCCTCTGACCCAGCTTTCTCGGTGCCTCCAGGT[G>A]GAGAACCGGCCCCTGCCTGGCCACACACAGCTTCGACTGCCTGGCTGCCCCACCCCCGTG-3'
Protein context (NP_065175.4, residues 282-302): ALRSAISDIE[Val292=]ENRPLPGHTQ